The following is an entry in ClinVar:

NM_001267550.2(TTN):c.107644del (p.Ser35882fs)

Genes: TTN (titin; minus strand), TTN-AS1 (TTN antisense RNA 1; plus strand). Cytogenetic location: 2q31.2.
Variant type: Deletion.
Coding change: c.107644del on transcript NM_001267550.2 (MANE Select); coding-DNA position 107644, one base deleted (A; older notation c.107644delA).
Protein change: p.Ser35882fs; shifts the reading frame from serine 35882.
Molecular consequence: frameshift variant.
Genome position (GRCh38, 1-based): chr2:178,527,482, T deleted on the plus strand (A on the coding strand, the reverse complement: TTN is on the minus strand); the first of 3 consecutive T bases (chr2:178,527,482-178,527,484); deleting any one gives the same sequence. VCF-style (leftmost placement, unchanged base first): chr2-178527481-CT-C. GRCh37 (hg19) VCF-style: chr2-179392208-CT-C.
Other names: c.102721del, p.Ser34241fs (NM_001256850.1); c.80449del, p.Ser26817fs (NM_003319.4); c.99940del, p.Ser33314fs (NM_133378.4); c.80824del, p.Ser26942fs (NM_133432.3); c.81025del, p.Ser27009fs (NM_133437.4); c.107644delA (NM_001267550.2); c.107644del (NM_001267550.1); short protein forms S26817fs, S26942fs, S33314fs, S34241fs, S35882fs, S27009fs.
Identifiers: ClinVar variation 597673 (VCV000597673.21), dbSNP rs1179955071, ClinGen allele CA538434930.

ClinVar aggregate classification (germline): Likely pathogenic. Review status: criteria provided, multiple submitters, no conflicts (2 of 4 stars). 5 submissions from 5 submitters: Likely pathogenic (5). Last evaluated 2026-01-29.

Conditions:
Dilated cardiomyopathy 1G (CMD1G). Identifiers: Orphanet 154, MedGen C1858763, MONDO:0011400, OMIM 604145.
Autosomal recessive limb-girdle muscular dystrophy type 2J (LGMDR10). Also called: Limb-girdle muscular dystrophy, type 2J; MUSCULAR DYSTROPHY, LIMB-GIRDLE, AUTOSOMAL RECESSIVE 10. Identifiers: Orphanet 140922, MedGen C1837342, MONDO:0012127, OMIM 608807.
TTN-related disorder. Also called: TTN-related condition; TTN-related disease; TTN-related disorders.

Submissions (5):

GeneDx
Classification: Likely pathogenic. Last evaluated: 2026-01-29. Review status: criteria provided, single submitter. Criteria: GeneDx Variant Classification Process June 2021. Collection method: clinical testing. Allele origin: germline. Affected: yes.
Comment: Frameshift variant predicted to result in abnormal protein length as the last 110 amino acids are replaced with 10 different amino acids, and other similar variants have been reported in HGMD; Located in the M-band, a region of TTN for which truncating variants are significantly associated with autosomal recessive skeletal myopathies and also with autosomal dominant cardiomyopathy (PMID: 17444505, 32778822, 36637017); Not observed at significant frequency in large population cohorts (gnomAD); Has not been previously published as pathogenic or benign to our knowledge; This variant is associated with the following publications: (PMID: 17444505, 32778822, 36637017)

PreventionGenetics, part of Exact Sciences
Classification: Likely pathogenic for TTN-related condition. Last evaluated: 2023-07-20. Review status: criteria provided, single submitter. Criteria: ACMG Guidelines, 2015. Collection method: clinical testing. Allele origin: germline.
Comment: The TTN c.107644delA variant is predicted to result in a frameshift and premature protein termination (p.Ser35882Alafs*11). This variant occurs in exon 362 which is located in the M-band region of the TTN protein. Exons 358-363 (Mex1-Mex6) have historically been found to harbor a significant number of pathogenic variants for TTN-related autosomal dominant and recessive muscle disorders (Hackman et al. 2002. PMID: 12145747; Evilä et al. 2014. PMID: 24395473). TTN truncating variants are reported in 1-2% of presumably healthy individuals, but occur more frequently in exons with low PSI values (Roberts et al. 2015. PMID: 25589632; Herman et al. 2012. PMID: 22335739). Many cases of recessive congenital TTN-related myopathies in which the individual is compound heterozygous for two loss of function variants in TTN have also been reported (See Ceyhan-Birsoy et al. 2013. PMID: 23975875; Chauveau et al. 2014. PMID: 24105469; Evilä et al. 2016. PMID: 27796757; Ge et al. 2019. PubMed ID: 31053406). This variant is reported in 0.00089% of alleles in individuals of European (Non-Finnish) descent in gnomAD. Frameshift variants in TTN are expected to be pathogenic. This variant is interpreted as likely pathogenic.

Labcorp Genetics (formerly Invitae), Labcorp
Classification: Likely pathogenic for Dilated cardiomyopathy 1G; Autosomal recessive limb-girdle muscular dystrophy type 2J. Last evaluated: 2021-12-24. Review status: criteria provided, single submitter. Criteria: Invitae Variant Classification Sherloc (09022015). Collection method: clinical testing. Allele origin: germline.
Comment: In summary, the currently available evidence indicates that the variant is pathogenic, but additional data are needed to prove that conclusively. Therefore, this variant has been classified as Likely Pathogenic. This variant is located in the M band of TTN (PMID: 25589632). Truncating variants in this region have been previously reported in individuals affected with autosomal recessive myopathy and muscular dystrophy (PMID: 18948003, 23975875, 24395473), but have not been definitively shown to cause cardiomyopathy (PMID: 25589632). ClinVar contains an entry for this variant (Variation ID: 597673). This variant has not been reported in the literature in individuals affected with TTN-related conditions. This variant is present in population databases (no rsID available, gnomAD 0.0009%). This sequence change creates a premature translational stop signal (p.Ser35882Alafs*11) in the TTN gene. While this is not anticipated to result in nonsense mediated decay, it is expected to create a truncated TTN protein.

Genetic Services Laboratory, University of Chicago
Classification: Likely pathogenic. Last evaluated: 2020-07-07. Review status: criteria provided, single submitter. Criteria: ACMG Guidelines, 2015. Collection method: clinical testing. Allele origin: germline. Affected: yes.
Comment: This variant results in an amino acid frameshift and creates a premature stop codon 10 amino acids downstream of the change, p.Ser33314Alafs*11. This variant is predicted to result in an abnormal transcript and the production of a truncated TTN protein with potentially abnormal function. This variant has been described in the gnomAD database in one individual, with a low overall population frequency of 0.0004% (dbSNP rs1179955071). This variant occurs in the M band of the TTN protein, where other truncating variants have been described in individuals with autosomal recessive myopathy and muscular dystrophy (PMIDs: 18948003, 23975875, 24395473). Bi-allelic truncating variants have been described in individuals with distal tibial muscular dystrophy (PMID 27796757, 24395473, 18948003).

Eurofins Ntd Llc (ga)
Classification: Likely pathogenic. Last evaluated: 2018-06-21. Review status: criteria provided, single submitter. Criteria: EGL ClinVar v180209 classification definitions. Collection method: clinical testing. Allele origin: germline. Observed: 1 variant allele, 1 heterozygote.

Literature cited by the submitters: PubMed 25589632 (cited by Labcorp Genetics (formerly Invitae), Labcorp); PubMed 18948003 (cited by Labcorp Genetics (formerly Invitae), Labcorp); PubMed 23975875 (cited by Labcorp Genetics (formerly Invitae), Labcorp); PubMed 24395473 (cited by Labcorp Genetics (formerly Invitae), Labcorp).